The following is an entry in ClinVar:

NM_213622.4(STAMBP):c.113G>A (p.Arg38His)

Genes: STAMBP (STAM binding protein; plus strand), LOC126806253 (CDK7 strongly-dependent group 2 enhancer GRCh37_chr2:74057585-74058784; plus strand). Cytogenetic location: 2p13.1.
Variant type: single nucleotide variant.
Coding change: c.113G>A on transcript NM_213622.4 (MANE Select); coding-DNA position 113, G replaced by A.
Protein change: p.Arg38His; replaces arginine 38 with histidine.
Molecular consequence: missense variant. On other transcripts: 5 prime UTR variant (5), non-coding transcript variant (4), intron variant (1).
Genome position (GRCh38, 1-based): chr2:73,830,969, G>A. VCF-style: chr2-73830969-G-A. GRCh37 (hg19) VCF-style: chr2-74058096-G-A.
Other names: c.113G>A (NM_006463.4); c.113G>A, p.Arg38His (NM_001353967.2, NM_001353968.2, NM_001353969.2 and 3 more transcripts); c.-441G>A (NM_001353971.2, NM_001353973.2, NM_001353974.2 and 2 more transcripts); c.-203+1973G>A (NM_001353972.2); short protein forms R38H.
Identifiers: ClinVar variation 3068194 (VCV003068194.3), dbSNP rs535383459, ClinGen allele CA1717440.

ClinVar aggregate classification (germline): Conflicting classifications of pathogenicity. Review status: criteria provided, conflicting classifications (1 of 4 stars). 3 submissions from 3 submitters: Likely pathogenic (1); Uncertain significance (2). Last evaluated 2025-10-01.

Conditions:
Microcephaly-capillary malformation syndrome (MICCAP). Identifiers: Orphanet 294016, MedGen C3280296, MONDO:0013659, OMIM 614261.

Allele frequency attached by ClinVar (database versions not stated): ExAC 0.00001; gnomAD 0.00001; 1000 Genomes Project 30x 0.00016; 1000 Genomes Project 0.00020.
gnomAD v4.1: 6 of 1,614,166 alleles (0.00037%); highest among the groups gnomAD compares: South Asian, 0.0033%; 1 homozygote.

Submissions (3):

Labcorp Genetics (formerly Invitae), Labcorp
Classification: Likely pathogenic. Last evaluated: 2025-10-01. Review status: criteria provided, single submitter. Criteria: Invitae Variant Classification Sherloc (09022015). Collection method: clinical testing. Allele origin: germline.
Comment: This sequence change replaces arginine, which is basic and polar, with histidine, which is basic and polar, at codon 38 of the STAMBP protein (p.Arg38His). This variant is present in population databases (rs535383459, gnomAD 0.003%). This variant has not been reported in the literature in individuals affected with STAMBP-related conditions. ClinVar contains an entry for this variant (Variation ID: 3068194). Invitae Evidence Modeling of protein sequence and biophysical properties (such as structural, functional, and spatial information, amino acid conservation, physicochemical variation, residue mobility, and thermodynamic stability) indicates that this missense variant is expected to disrupt STAMBP protein function with a positive predictive value of 95%. This variant disrupts the p.Arg38 amino acid residue in STAMBP. Other variant(s) that disrupt this residue have been determined to be pathogenic (PMID: 23542699). This suggests that this residue is clinically significant, and that variants that disrupt this residue are likely to be disease-causing. In summary, the currently available evidence indicates that the variant is pathogenic, but additional data are needed to prove that conclusively. Therefore, this variant has been classified as Likely Pathogenic.

Genomic Medicine Center of Excellence, King Faisal Specialist Hospital and Research Centre
Classification: Uncertain significance for Microcephaly-capillary malformation syndrome. Last evaluated: 2024-04-04. Review status: criteria provided, single submitter. Criteria: ACMG Guidelines, 2015. Collection method: clinical testing. Allele origin: germline.

GeneDx
Classification: Uncertain significance. Last evaluated: 2023-05-26. Review status: criteria provided, single submitter. Criteria: GeneDx Variant Classification Process June 2021. Collection method: clinical testing. Allele origin: germline. Affected: yes.
Comment: Not observed at significant frequency in large population cohorts (gnomAD); In silico analysis supports that this missense variant has a deleterious effect on protein structure/function; Has not been previously published as pathogenic or benign to our knowledge

Literature cited by the submitters: PubMed 23542699 (cited by Labcorp Genetics (formerly Invitae), Labcorp).